The following is an entry in ClinVar:

NM_000492.4(CFTR):c.1001G>T (p.Arg334Leu)

Gene: CFTR (CF transmembrane conductance regulator; plus strand). Cytogenetic location: 7q31.2.
Variant type: single nucleotide variant.
Coding change: c.1001G>T on transcript NM_000492.4 (MANE Select); coding-DNA position 1001, G replaced by T.
Protein change: p.Arg334Leu; replaces arginine 334 with leucine.
Molecular consequence: missense variant.
Genome position (GRCh38, 1-based): chr7:117,540,231, G>T. VCF-style: chr7-117540231-G-T. GRCh37 (hg19) VCF-style: chr7-117180285-G-T.
Other names: short protein forms R334L.
Identifiers: ClinVar variation 53160 (VCV000053160.31), dbSNP rs397508137, ClinGen allele CA326360.

ClinVar aggregate classification (germline): Pathogenic. Review status: reviewed by expert panel (3 of 4 stars). 13 submissions from 13 submitters: Pathogenic (1). 12 of the submissions do not count toward it. Last evaluated 2017-12-08.

Conditions:
CFTR-related disorder (CFTR-RD). Also called: CFTR-related condition; CFTR-related disorders. Identifiers: MedGen C5924204, MONDO:7770004.
Cystic fibrosis (CF). Also called: MUCOVISCIDOSIS. Identifiers: Orphanet 586, MedGen C0010674, MONDO:0009061, OMIM 219700. Disease mechanism: loss of function.
Bronchiectasis with or without elevated sweat chloride 1 (BESC1). Also called: Cystic Fibrosis-Like Syndrome. Identifiers: Orphanet 60033, MedGen C2749757, MONDO:0008887, OMIM 211400.

Submissions (13):

CFTR2
Classification: Pathogenic for Cystic fibrosis. Last evaluated: 2017-12-08. Review status: reviewed by expert panel. Criteria: Sosnay PR et al. (Nat Genet 2013). Collection method: research. Allele origin: germline. Affected: yes.

Women's Health and Genetics/Laboratory Corporation of America, LabCorp
Classification: Pathogenic for Cystic fibrosis. Last evaluated: 2026-01-05. Review status: criteria provided, single submitter. Criteria: LabCorp Variant Classification Summary - May 2015. Collection method: clinical testing. Allele origin: germline. Not counted in ClinVar's aggregate classification.
Comment: Variant summary: CFTR c.1001G>T (p.Arg334Leu) results in a non-conservative amino acid change in the encoded protein sequence. Algorithms developed to predict the effect of missense changes on protein structure and function all suggest that this variant is likely to be disruptive. The variant was absent in 251222 control chromosomes. c.1001G>T has been observed in multiple individuals affected with Cystic Fibrosis (example: McCague_2019). These data indicate that the variant is very likely to be associated with disease. A different variant affecting the same codon has been classified as likely pathogenic/pathogenic by our lab (c.1000C>T, p.Arg334Trp), supporting the critical relevance of codon 334 to CFTR protein function. The following publication has been ascertained in the context of this evaluation (PMID: 30888834). ClinVar contains an entry for this variant (Variation ID: 53160). Based on the evidence outlined above, the variant was classified as pathogenic.

Labcorp Genetics (formerly Invitae), Labcorp
Classification: Pathogenic for Cystic fibrosis. Last evaluated: 2025-11-08. Review status: criteria provided, single submitter. Criteria: Invitae Variant Classification Sherloc (09022015). Collection method: clinical testing. Allele origin: germline. Not counted in ClinVar's aggregate classification.
Comment: This sequence change replaces arginine, which is basic and polar, with leucine, which is neutral and non-polar, at codon 334 of the CFTR protein (p.Arg334Leu). This variant is present in population databases (rs397508137, gnomAD 0.007%). This missense change has been observed in individuals with CFTR-related conditions (PMID: 9272157, 27157324, 30134826). ClinVar contains an entry for this variant (Variation ID: 53160). Invitae Evidence Modeling of protein sequence and biophysical properties (such as structural, functional, and spatial information, amino acid conservation, physicochemical variation, residue mobility, and thermodynamic stability) indicates that this missense variant is expected to disrupt CFTR protein function with a positive predictive value of 80%. Experimental studies have shown that this missense change affects CFTR function (PMID: 12679372, 15130785, 17673962, 30046002). This variant disrupts the p.Arg334 amino acid residue in CFTR. Other variant(s) that disrupt this residue have been determined to be pathogenic (PMID: 15371902, 23974870). This suggests that this residue is clinically significant, and that variants that disrupt this residue are likely to be disease-causing. For these reasons, this variant has been classified as Pathogenic.

Natera, Inc.
Classification: Pathogenic for CFTR-related disorders. Last evaluated: 2025-09-17. Review status: criteria provided, single submitter. Criteria: Natera Variant Classification Schema (03/2026). Collection method: clinical testing. Allele origin: germline. Not counted in ClinVar's aggregate classification.
Comment: The c.1001G>T variant in CFTR is a missense variant predicted to cause substitution of arginine to leucine at amino acid 334. This variant is rare in the general population with a frequency below the threshold expected for the associated phenotype(s). This variant has been observed in one or more individuals affected with the associated recessive disease, as either homozygous or compound heterozygous with a second variant (PMID: 36437230, 35628451, 30134826, 29944384). This variant has been identified in one or more affected individuals with a phenotype highly consistent with the associated gene (PMID: 35628451). A different variant at the same position has been determined to be Pathogenic or Likely Pathogenic. Computational prediction algorithms indicate this variant is likely to affect gene or protein function. Given the available evidence, this variant is classified as Pathogenic.

Ambry Genetics
Classification: Pathogenic for Cystic fibrosis. Last evaluated: 2024-06-13. Review status: criteria provided, single submitter. Criteria: Ambry Variant Classification Scheme 2023. Collection method: clinical testing. Allele origin: germline. Not counted in ClinVar's aggregate classification.
Comment: The p.R334L pathogenic mutation (also known as c.1001G>T), located in coding exon 8 of the CFTR gene, results from a G to T substitution at nucleotide position 1001. The arginine at codon 334 is replaced by leucine, an amino acid with dissimilar properties. Two disease-causing mutations, p.R334W and p.R334Q, have been described in the same codon. This amino acid position is highly conserved in available vertebrate species. In addition, this alteration is predicted to be deleterious by in silico analysis. Based on the supporting evidence, this variant is interpreted as a disease-causing mutation.

Baylor Genetics
Classification: Pathogenic for Bronchiectasis with or without elevated sweat chloride 1. Last evaluated: 2024-02-20. Review status: criteria provided, single submitter. Criteria: ACMG Guidelines, 2015. Collection method: clinical testing. Allele origin: unknown. Not counted in ClinVar's aggregate classification.

Johns Hopkins Genomics, Johns Hopkins University
Classification: Pathogenic for Cystic fibrosis. Last evaluated: 2023-04-14. Review status: criteria provided, single submitter. Criteria: ACMG Guidelines, 2015. Collection method: clinical testing. Allele origin: germline. Not counted in ClinVar's aggregate classification.
Comment: Disease-causing CFTR variant. See CFTR2 for phenotype information.

Institute of Human Genetics, University of Leipzig Medical Center
Classification: Pathogenic for Cystic fibrosis. Last evaluated: 2022-09-05. Review status: criteria provided, single submitter. Criteria: ACMG Guidelines, 2015. Collection method: curation. Allele origin: unknown. Affected: yes. Observed: 1 variant allele. Not counted in ClinVar's aggregate classification.
Comment: The variant was classified in the context of a project re-classifying variants in the German Cystic Fibrosis Registry (Muko.e.V.). Criteria applied: PS3_SUP, PM2_SUP, PM3_VSTR, PM5_STR, PP3, PP4

CFTR-France
Classification: Pathogenic for cystic fibrosis; CFTR-related disorders. Last evaluated: 2019-09-12. Review status: criteria provided, single submitter. Criteria: Claustres M et al. (Hum Mutat 2017). Collection method: curation. Allele origin: germline. Affected: yes. Not counted in ClinVar's aggregate classification.
Comment: the variant causes a phenotype but regarding our data, we can't formally attribute it to CF, CFTR-RD or both

ARUP Laboratories, Molecular Genetics and Genomics, ARUP Laboratories
Classification: Pathogenic. Last evaluated: 2019-08-19. Review status: criteria provided, single submitter. Criteria: ARUP Molecular Germline Variant Investigation Process. Collection method: clinical testing. Allele origin: germline. Not counted in ClinVar's aggregate classification.
Comment: The CFTR c.1001G>T; p.Arg334Leu variant (rs397508137) is reported in the compound heterozygous state with another pathogenic variant in individuals with pancreatic insufficient cystic fibrosis (see link to CFTR2 database), and in at least one individual affected with congenital bilateral absence of vas deferens (Dork 1997). This variant is reported in ClinVar (Variation ID: 53160), and is only observed on one allele in the Genome Aggregation Database, indicating it is not a common polymorphism. The arginine at codon 334 is highly conserved, and computational analyses (SIFT, PolyPhen-2) predict that this variant is deleterious. Additionally, another variant at this codon (c.1000C>T; p.Arg334Trp) has been reported in individuals with cystic fibrosis, and is considered pathogenic (Sosnay 2013). Functional assays show that residue 334 is critical for ion binding, and variants at this codon, including p.Arg334Leu, disrupt channel function (Enquist 2009, Gong 2003, Gong 2004, Raraigh 2018, Zhou 2007). Based on available information, the p.Arg334Leu variant is considered to be pathogenic. References: Link to CFTR2 database: Dork T et al. Distinct spectrum of CFTR gene mutations in congenital absence of vas deferens. Hum Genet. 1997 100(3-4):365-77. Enquist K et al. Membrane-integration characteristics of two ABC transporters, CFTR and P-glycoprotein. J Mol Biol. 2009 Apr 17;387(5):1153-64. Gong X and Linsdell P. Molecular determinants and role of an anion binding site in the external mouth of the CFTR chloride channel pore. J Physiol. 2003 Jun 1;549(Pt 2):387-97. Gong X and Linsdell P. Maximization of the rate of chloride conduction in the CFTR channel pore by ion-ion interactions. Arch Biochem Biophys. 2004 Jun 1;426(1):78-82. Raraigh KS et al. Functional Assays Are Essential for Interpretation of Missense Variants Associated with Variable Expressivity. Am J Hum Genet. 2018 Jun 7;102(6):1062-1077. Sosnay PR et al. Defining the disease liability of variants in the cystic fibrosis transmembrane conductance regulator gene. Nat Genet. 2013 Oct;45(10):1160-7. Zhou JJ et al. Direct and indirect effects of mutations at the outer mouth of the cystic fibrosis transmembrane conductance regulator chloride channel pore. J Membr Biol. 2007 Apr;216(2-3):129-42.

PreventionGenetics, part of Exact Sciences
Classification: Pathogenic for CFTR-related condition. Last evaluated: 2024-02-28. Review status: no assertion criteria provided. Collection method: clinical testing. Allele origin: germline. Not counted in ClinVar's aggregate classification.
Comment: The CFTR c.1001G>T variant is predicted to result in the amino acid substitution p.Arg334Leu. This variant is known to disrupt protein function and has been documented as causative for cystic fibrosis (CF) and CF-related disorders (Dörk et al. 1997. PubMed ID: 9272157; Sosnay et al. 2013. PubMed ID: 23974870; Lucarelli et al. 2015. PubMed ID: 25910067; Raraigh et al. 2018. PubMed ID: 29805046; Sofia et al. 2018. PubMed ID: 30134826). This variant is reported in 0.0065% of alleles in individuals of European (Non-Finnish) descent in gnomAD. An alternative nucleotide change affecting the same amino acid (p.Arg334Trp) is a well-established cause of CF and CF-related disorders (Gasparini et al. 1991. PubMed ID: 2045102; Sheppard et al. 1993. PubMed ID: 7680769; Maisonneuve et al. 2004. PubMed ID: 15181620; Watson et al. 2004. PubMed ID: 15371902; Lucarelli et al. 2015. PubMed ID: 25910067; Karimi et al. 2018. PubMed ID: 29850441). This variant is interpreted as pathogenic.

Counsyl
Classification: Likely pathogenic for Cystic fibrosis. Last evaluated: 2018-05-02. Review status: no assertion criteria provided. Collection method: clinical testing. Allele origin: unknown. Not counted in ClinVar's aggregate classification.

ClinVar Staff, National Center for Biotechnology Information (NCBI)
No classification provided. Condition: CFTR-related disorders. Review status: no classification provided. Collection method: literature only. Allele origin: germline. Affected: yes. Not counted in ClinVar's aggregate classification.

Literature cited by the submitters: PubMed 30888834 (cited by Women's Health and Genetics/Laboratory Corporation of America, LabCorp); PubMed 9272157 (cited by 3 submitters); PubMed 27157324 (cited by Labcorp Genetics (formerly Invitae), Labcorp); PubMed 30134826 (cited by Labcorp Genetics (formerly Invitae), Labcorp and Natera, Inc.); PubMed 12679372 (cited by Labcorp Genetics (formerly Invitae), Labcorp and Counsyl); PubMed 15130785 (cited by Labcorp Genetics (formerly Invitae), Labcorp and Counsyl); PubMed 17673962 (cited by Labcorp Genetics (formerly Invitae), Labcorp and Counsyl); PubMed 30046002 (cited by Labcorp Genetics (formerly Invitae), Labcorp); PubMed 15371902 (cited by Labcorp Genetics (formerly Invitae), Labcorp); PubMed 23974870 (cited by Labcorp Genetics (formerly Invitae), Labcorp); PubMed 36437230 (cited by Natera, Inc.); PubMed 35628451 (cited by Natera, Inc.); PubMed 29944384 (cited by Natera, Inc.); PubMed 19236881 (cited by Counsyl); PubMed 10562541 (cited by Counsyl).